The following is an entry in ClinVar:

ClinVar aggregate classification (germline): Uncertain significance (1 of 4 stars; one submission).

gnomAD v4.1: 1 of 1,613,424 alleles (0.000062%); highest among the groups gnomAD compares: Admixed American, 0.0017%; no homozygotes.

Submission:

Labcorp Genetics (formerly Invitae), Labcorp
Classification: Uncertain significance. Last evaluated: 2022-09-13. Review status: criteria provided, single submitter. Criteria: Invitae Variant Classification Sherloc (09022015). Collection method: clinical testing. Allele origin: germline.
Comment: This sequence change replaces leucine, which is neutral and non-polar, with valine, which is neutral and non-polar, at codon 125 of the TTC19 protein (p.Leu125Val). This variant is present in population databases (no rsID available, gnomAD 0.003%). This variant has not been reported in the literature in individuals affected with TTC19-related conditions. Advanced modeling of protein sequence and biophysical properties (such as structural, functional, and spatial information, amino acid conservation, physicochemical variation, residue mobility, and thermodynamic stability) performed at Invitae indicates that this missense variant is not expected to disrupt TTC19 protein function. In summary, the available evidence is currently insufficient to determine the role of this variant in disease. Therefore, it has been classified as a Variant of Uncertain Significance.

NM_017775.4(TTC19):c.373C>G (p.Leu125Val)

Gene: TTC19 (tetratricopeptide repeat domain 19; plus strand). Cytogenetic location: 17p12.
Variant type: single nucleotide variant.
Coding change: c.373C>G on transcript NM_017775.4 (MANE Select); coding-DNA position 373, C replaced by G.
Protein change: p.Leu125Val; replaces leucine 125 with valine.
Molecular consequence: missense variant.
Genome position (GRCh38, 1-based): chr17:16,001,975, C>G. VCF-style: chr17-16001975-C-G. GRCh37 (hg19) VCF-style: chr17-15905289-C-G.
Other names: c.52C>G, p.Leu18Val (NM_001271420.2); short protein forms L125V, L18V.
Identifiers: ClinVar variation 1713378 (VCV001713378.5), dbSNP rs1469982848, ClinGen allele CA398385087.